The following is an entry in ClinVar:

ClinVar aggregate classification (germline): Uncertain significance (1 of 4 stars; one submission).

Conditions:
Early-infantile DEE. Also called: Early infantile epileptic encephalopathy; Early infantile epileptic encephalopathy with suppression bursts; Ohtahara syndrome. Identifiers: Orphanet 1934, MedGen C0393706, MONDO:0800491.

Allele frequency attached by ClinVar (database versions not stated): gnomAD exomes below 0.00001.

Submission:

Labcorp Genetics (formerly Invitae), Labcorp
Classification: Uncertain significance for Early-infantile DEE. Last evaluated: 2023-10-10. Review status: criteria provided, single submitter. Criteria: Invitae Variant Classification Sherloc (09022015). Collection method: clinical testing. Allele origin: germline.
Comment: This sequence change replaces threonine, which is neutral and polar, with isoleucine, which is neutral and non-polar, at codon 711 of the SPTAN1 protein (p.Thr711Ile). This variant is not present in population databases (gnomAD no frequency). This variant has not been reported in the literature in individuals affected with SPTAN1-related conditions. Advanced modeling of protein sequence and biophysical properties (such as structural, functional, and spatial information, amino acid conservation, physicochemical variation, residue mobility, and thermodynamic stability) has been performed at Invitae for this missense variant, however the output from this modeling did not meet the statistical confidence thresholds required to predict the impact of this variant on SPTAN1 protein function. In summary, the available evidence is currently insufficient to determine the role of this variant in disease. Therefore, it has been classified as a Variant of Uncertain Significance.

NM_001130438.3(SPTAN1):c.2132C>T (p.Thr711Ile)

Gene: SPTAN1 (spectrin alpha, non-erythrocytic 1; plus strand). Cytogenetic location: 9q34.11.
Variant type: single nucleotide variant.
Coding change: c.2132C>T on transcript NM_001130438.3 (MANE Select); coding-DNA position 2132, C replaced by T.
Protein change: p.Thr711Ile; replaces threonine 711 with isoleucine.
Molecular consequence: missense variant.
Genome position (GRCh38, 1-based): chr9:128,583,908, C>T. VCF-style: chr9-128583908-C-T. GRCh37 (hg19) VCF-style: chr9-131346187-C-T.
Other names: c.2132C>T, p.Thr711Ile (NM_001195532.2, NM_001363759.2, NM_001363765.2 and 5 more transcripts); c.2168C>T, p.Thr723Ile (NM_001375312.2, NM_001375318.1); short protein forms T711I, T723I.
Identifiers: ClinVar variation 2808740 (VCV002808740.3), dbSNP rs2541185673, ClinGen allele CA375056368.